The following is an entry in ClinVar:

NM_139057.4(ADAMTS17):c.3164C>T (p.Thr1055Met)

Gene: ADAMTS17 (ADAM metallopeptidase with thrombospondin type 1 motif 17; minus strand). Cytogenetic location: 15q26.3.
Variant type: single nucleotide variant.
Coding change: c.3164C>T on transcript NM_139057.4 (MANE Select); coding-DNA position 3164, C replaced by T.
Protein change: p.Thr1055Met; replaces threonine 1055 with methionine.
Molecular consequence: missense variant.
Genome position (GRCh38, 1-based): chr15:99,974,526, G>A on the plus strand (C>T on the coding strand, the complement: ADAMTS17 is on the minus strand). VCF-style: chr15-99974526-G-A. GRCh37 (hg19) VCF-style: chr15-100514731-G-A.
Other names: p.Thr1055Met; c.3164C>T (NM_139057.3); short protein forms T1055M.
Identifiers: ClinVar variation 887693 (VCV000887693.8), dbSNP rs371570653, ClinGen allele CA7757445.

ClinVar aggregate classification (germline): Uncertain significance. Review status: criteria provided, multiple submitters, no conflicts (2 of 4 stars). 3 submissions from 3 submitters: Uncertain significance (3). Last evaluated 2023-11-22.

Conditions:
Weill-Marchesani 4 syndrome, recessive. Also called: Weill-Marchesani syndrome 4. Identifiers: Orphanet 363992, MedGen C2750787, MONDO:0013176, OMIM 613195.

Allele frequency attached by ClinVar (database versions not stated): gnomAD exomes 0.00009 and 0.00016; TOPMed 0.00009; gnomAD 0.00011 and 0.00017; ExAC 0.00016; 1000 Genomes Project 30x 0.00078; 1000 Genomes Project 0.00100.
gnomAD v4.1: 183 of 1,614,248 alleles (0.011%); highest among the groups gnomAD compares: East Asian, 0.049%; 1 homozygote.

Submissions (3):

Mayo Clinic Laboratories, Mayo Clinic
Classification: Uncertain significance. Last evaluated: 2023-11-22. Review status: criteria provided, single submitter. Criteria: ACMG Guidelines, 2015. Collection method: clinical testing. Allele origin: germline. Observed: 1 variant allele.
Comment: BP4

Labcorp Genetics (formerly Invitae), Labcorp
Classification: Uncertain significance. Last evaluated: 2022-08-28. Review status: criteria provided, single submitter. Criteria: Invitae Variant Classification Sherloc (09022015). Collection method: clinical testing. Allele origin: germline.
Comment: This sequence change replaces threonine, which is neutral and polar, with methionine, which is neutral and non-polar, at codon 1055 of the ADAMTS17 protein (p.Thr1055Met). The frequency data for this variant in the population databases is considered unreliable, as metrics indicate poor data quality at this position in the gnomAD database. This variant has not been reported in the literature in individuals affected with ADAMTS17-related conditions. ClinVar contains an entry for this variant (Variation ID: 887693). Algorithms developed to predict the effect of missense changes on protein structure and function are either unavailable or do not agree on the potential impact of this missense change (SIFT: "Not Available"; PolyPhen-2: "Probably Damaging"; Align-GVGD: "Not Available"). In summary, the available evidence is currently insufficient to determine the role of this variant in disease. Therefore, it has been classified as a Variant of Uncertain Significance.

Illumina Laboratory Services, Illumina
Classification: Uncertain significance for Weill-Marchesani 4 syndrome, recessive. Last evaluated: 2018-01-12. Review status: criteria provided, single submitter. Criteria: ICSL Variant Classification Criteria 13 December 2019. Collection method: clinical testing. Allele origin: germline.